The following is an entry in ClinVar:

NM_000170.3(GLDC):c.26G>A (p.Gly9Glu)

Gene: GLDC (glycine decarboxylase; minus strand). Cytogenetic location: 9p24.1.
Variant type: single nucleotide variant.
Coding change: c.26G>A on transcript NM_000170.3 (MANE Select); coding-DNA position 26, G replaced by A.
Protein change: p.Gly9Glu; replaces glycine 9 with glutamic acid.
Molecular consequence: missense variant.
Genome position (GRCh38, 1-based): chr9:6,645,474, C>T on the plus strand (G>A on the coding strand, the complement: GLDC is on the minus strand). VCF-style: chr9-6645474-C-T. GRCh37 (hg19) VCF-style: chr9-6645474-C-T.
Other names: short protein forms G9E.
Identifiers: ClinVar variation 2132852 (VCV002132852.1), dbSNP rs2489163043, ClinGen allele CA372887547.

ClinVar aggregate classification (germline): Uncertain significance (1 of 4 stars; one submission).

Conditions:
Glycine encephalopathy. Also called: Non-ketotic hyperglycinemia; Nonketotic hyperglycinemia. Identifiers: Orphanet 407, MedGen C0751748, MONDO:0011612, HP:0008288.

Submission:

Labcorp Genetics (formerly Invitae), Labcorp
Classification: Uncertain significance for Glycine encephalopathy. Last evaluated: 2022-05-03. Review status: criteria provided, single submitter. Criteria: Invitae Variant Classification Sherloc (09022015). Collection method: clinical testing. Allele origin: germline.
Comment: This sequence change replaces glycine, which is neutral and non-polar, with glutamic acid, which is acidic and polar, at codon 9 of the GLDC protein (p.Gly9Glu). This variant is not present in population databases (gnomAD no frequency). This variant has not been reported in the literature in individuals affected with GLDC-related conditions. Advanced modeling of protein sequence and biophysical properties (such as structural, functional, and spatial information, amino acid conservation, physicochemical variation, residue mobility, and thermodynamic stability) performed at Invitae indicates that this missense variant is not expected to disrupt GLDC protein function. In summary, the available evidence is currently insufficient to determine the role of this variant in disease. Therefore, it has been classified as a Variant of Uncertain Significance.